The following is an entry in ClinVar:

NM_006767.4(LZTR1):c.1877T>G (p.Val626Gly)

Gene: LZTR1 (leucine zipper like post translational regulator 1; plus strand). Cytogenetic location: 22q11.21.
Variant type: single nucleotide variant.
Coding change: c.1877T>G on transcript NM_006767.4 (MANE Select); coding-DNA position 1877, T replaced by G.
Protein change: p.Val626Gly; replaces valine 626 with glycine.
Molecular consequence: missense variant.
Genome position (GRCh38, 1-based): chr22:20,994,961, T>G. VCF-style: chr22-20994961-T-G. GRCh37 (hg19) VCF-style: chr22-21349250-T-G.
Other names: short protein forms V626G.
Identifiers: ClinVar variation 1781809 (VCV001781809.4), dbSNP rs1924776154, ClinGen allele CA410778648.

ClinVar aggregate classification (germline): Uncertain significance. Review status: criteria provided, multiple submitters, no conflicts (2 of 4 stars). 2 submissions from 2 submitters: Uncertain significance (2). Last evaluated 2024-12-30.

Conditions:
Hereditary cancer-predisposing syndrome. Also called: Neoplastic Syndromes, Hereditary; Tumor predisposition; Hereditary Cancer Syndrome; Hereditary neoplastic syndrome. Identifiers: Orphanet 140162, MedGen C0027672, MeSH D009386, MONDO:0015356.
Cardiovascular phenotype. Identifiers: MedGen CN230736.

gnomAD v4.1: 1 of 1,613,248 alleles (0.000062%); highest among the groups gnomAD compares: Non-Finnish European, 0.000085%; no homozygotes.

Submissions (2):

Labcorp Genetics (formerly Invitae), Labcorp
Classification: Uncertain significance. Last evaluated: 2024-12-30. Review status: criteria provided, single submitter. Criteria: Invitae Variant Classification Sherloc (09022015). Collection method: clinical testing. Allele origin: germline.
Comment: This sequence change replaces valine, which is neutral and non-polar, with glycine, which is neutral and non-polar, at codon 626 of the LZTR1 protein (p.Val626Gly). This variant is not present in population databases (gnomAD no frequency). This variant has not been reported in the literature in individuals affected with LZTR1-related conditions. ClinVar contains an entry for this variant (Variation ID: 1781809). Invitae Evidence Modeling of protein sequence and biophysical properties (such as structural, functional, and spatial information, amino acid conservation, physicochemical variation, residue mobility, and thermodynamic stability) indicates that this missense variant is not expected to disrupt LZTR1 protein function with a negative predictive value of 80%. In summary, the available evidence is currently insufficient to determine the role of this variant in disease. Therefore, it has been classified as a Variant of Uncertain Significance.

Ambry Genetics
Classification: Uncertain significance for Cardiovascular phenotype; Hereditary cancer-predisposing syndrome. Last evaluated: 2020-12-23. Review status: criteria provided, single submitter. Criteria: Ambry Variant Classification Scheme 2023. Collection method: clinical testing. Allele origin: germline.
Comment: The p.V626G variant (also known as c.1877T>G), located in coding exon 16 of the LZTR1 gene, results from a T to G substitution at nucleotide position 1877. The valine at codon 626 is replaced by glycine, an amino acid with dissimilar properties. This amino acid position is highly conserved in available vertebrate species. In addition, this alteration is predicted to be deleterious by in silico analysis. Since supporting evidence is limited at this time, the clinical significance of this alteration remains unclear.